The following is an entry in ClinVar:

ClinVar aggregate classification (germline): Uncertain significance (1 of 4 stars; one submission).

Allele frequency attached by ClinVar (database versions not stated): gnomAD exomes below 0.00001.
gnomAD v4.1: 1 of 1,612,654 alleles (0.000062%); highest among the groups gnomAD compares: Non-Finnish European, 0.000085%; no homozygotes.

Submission:

Ambry Genetics
Classification: Uncertain significance. Last evaluated: 2023-12-29. Review status: criteria provided, single submitter. Criteria: Ambry Variant Classification Scheme 2023. Collection method: clinical testing. Allele origin: germline.
Comment: The p.Q1060E variant (also known as c.3178C>G), located in coding exon 25 of the BUB1 gene, results from a C to G substitution at nucleotide position 3178. The glutamine at codon 1060 is replaced by glutamic acid, an amino acid with highly similar properties. This amino acid position is conserved. In addition, this alteration is predicted to be tolerated by in silico analysis. Since supporting evidence is limited at this time, the clinical significance of this alteration remains unclear.

NM_004336.5(BUB1):c.3178C>G (p.Gln1060Glu)

Gene: BUB1 (BUB1 mitotic checkpoint serine/threonine kinase; minus strand). Cytogenetic location: 2q13.
Variant type: single nucleotide variant.
Coding change: c.3178C>G on transcript NM_004336.5 (MANE Select); coding-DNA position 3178, C replaced by G.
Protein change: p.Gln1060Glu; replaces glutamine 1060 with glutamic acid.
Molecular consequence: missense variant.
Genome position (GRCh38, 1-based): chr2:110,638,044, G>C on the plus strand (C>G on the coding strand, the complement: BUB1 is on the minus strand). VCF-style: chr2-110638044-G-C. GRCh37 (hg19) VCF-style: chr2-111395621-G-C.
Other names: c.3118C>G, p.Gln1040Glu (NM_001278616.2); c.3007C>G, p.Gln1003Glu (NM_001278617.2); short protein forms Q1003E, Q1040E, Q1060E.
Identifiers: ClinVar variation 3224085 (VCV003224085.1), dbSNP rs2467963345, ClinGen allele CA348088371.